The following is an entry in ClinVar:

NM_000256.3(MYBPC3):c.1731G>T (p.Trp577Cys)

Gene: MYBPC3 (myosin binding protein C3; minus strand). Cytogenetic location: 11p11.2.
Variant type: single nucleotide variant.
Coding change: c.1731G>T on transcript NM_000256.3 (MANE Select); coding-DNA position 1731, G replaced by T.
Protein change: p.Trp577Cys; replaces tryptophan 577 with cysteine.
Molecular consequence: missense variant.
Genome position (GRCh38, 1-based): chr11:47,342,050, C>A on the plus strand (G>T on the coding strand, the complement: MYBPC3 is on the minus strand). VCF-style: chr11-47342050-C-A. GRCh37 (hg19) VCF-style: chr11-47363601-C-A.
Other names: short protein forms W577C.
Identifiers: ClinVar variation 3894164 (VCV003894164.1).
Genomic context (GRCh38, chr11:47,342,050, plus strand): 5'-CCGCCCGATGTGGGACACCTTTATGCGGCTGTCGGGCACCAGCTCCTTCCCATTCTTCAG[C>A]CACACACCCCGAACATTCTCATCTGAGACCTCACATTTGAACACCGCCTGGTCCTTTGCG-3'
Protein context (NP_000247.2, residues 567-587): EVSDENVRGV[Trp577Cys]LKNGKELVPD

ClinVar aggregate classification (germline): Uncertain significance (1 of 4 stars; one submission).

Conditions:
Cardiomyopathy (CMYO). Also called: Cardiomyopathies. Identifiers: Orphanet 167848, MedGen C0878544, MONDO:0004994, HP:0001638. Inheritance: Various modes of inheritance.

Submission:

Color Diagnostics, LLC DBA Color Health
Classification: Uncertain significance for Cardiomyopathy. Last evaluated: 2024-11-13. Review status: criteria provided, single submitter. Criteria: ACMG Guidelines, 2015. Collection method: clinical testing. Allele origin: germline.
Comment: This missense variant replaces tryptophan with cysteine at codon 577 of the MYBPC3 protein. Computational prediction suggests that this variant may have deleterious impact on protein structure and function (internally defined REVEL score threshold >= 0.7, PMID: 27666373). To our knowledge, functional studies have not been reported for this variant. This variant has not been reported in individuals affected with MYBPC3-related disorders in the literature. This variant has not been identified in the general population by the Genome Aggregation Database (gnomAD). The available evidence is insufficient to determine the role of this variant in disease conclusively. Therefore, this variant is classified as a Variant of Uncertain Significance.